The following is an entry in ClinVar:

ClinVar aggregate classification (germline): Uncertain significance (1 of 4 stars; one submission).

Conditions:
Familial hypokalemia-hypomagnesemia (GTLMNS). Also called: HYPOMAGNESEMIA-HYPOKALEMIA, PRIMARY RENOTUBULAR, WITH HYPOCALCIURIA; POTASSIUM AND MAGNESIUM DEPLETION; gitelman syndrome. Identifiers: Orphanet 358, MedGen C0268450, MONDO:0009904, OMIM 263800.

Submission:

Victorian Clinical Genetics Services, Murdoch Childrens Research Institute
Classification: Uncertain significance for Familial hypokalemia-hypomagnesemia. Last evaluated: 2023-07-17. Review status: criteria provided, single submitter. Criteria: ACMG Guidelines, 2015. Collection method: clinical testing. Allele origin: germline. Inheritance: Autosomal recessive inheritance. Affected: yes.
Comment: Based on the classification scheme VCGS_Germline_v1.3.4, this variant is classified as VUS-3B. Following criteria are met: 0102 - Loss of function is a known mechanism of disease in this gene and is associated with Gitelman syndrome (MIM#263800). (I) 0106 - This gene is associated with autosomal recessive disease. (I) 0200 - Variant is predicted to result in a missense amino acid change from serine to arginine. (I) 0251 - This variant is heterozygous. (I) 0301 - Variant is absent from gnomAD (both v2 and v3). (SP) 0309 - An alternative amino acid change at the same position has been observed in gnomAD (v2) (p.Ser884Asn): 1 heterozygote, 0 homozygote). (I) 0502 - Missense variant with conflicting in silico predictions and uninformative conservation. (I) 0600 - Variant is located in the annotated SLC12 family domain (DECIPHER). (I) 0705 - No comparable missense variants have previous evidence for pathogenicity. (I) 0807 - This variant has no previous evidence of pathogenicity. (I) 0905 - No published segregation evidence has been identified for this variant. (I) 1007 - No published functional evidence has been identified for this variant. (I) 1208 - Inheritance information for this variant is not currently available in this individual. (I) Legend: (SP) - Supporting pathogenic, (I) - Information, (SB) - Supporting benign

NM_001126108.2(SLC12A3):c.2652C>G (p.Ser884Arg)

Gene: SLC12A3 (solute carrier family 12 member 3; plus strand). Cytogenetic location: 16q13.
Variant type: single nucleotide variant.
Coding change: c.2652C>G on transcript NM_001126108.2 (MANE Select); coding-DNA position 2652, C replaced by G.
Protein change: p.Ser884Arg; replaces serine 884 with arginine.
Molecular consequence: missense variant.
Genome position (GRCh38, 1-based): chr16:56,899,548, C>G. VCF-style: chr16-56899548-C-G. GRCh37 (hg19) VCF-style: chr16-56933460-C-G.
Other names: c.2679C>G, p.Ser893Arg (NM_000339.3); c.2676C>G, p.Ser892Arg (NM_001126107.2); c.2649C>G, p.Ser883Arg (NM_001410896.1); short protein forms S883R, S884R, S892R, S893R.
Identifiers: ClinVar variation 3254906 (VCV003254906.1), dbSNP rs1445168707.
Genomic context (GRCh38, chr16:56,899,548, plus strand): 5'-CAAGAAAAAGTAATAACAATAAACCCTCCATGTGTCCTCCAGGATCATTTCTCTGCTGAG[C>G]AAGTTCCGACTGGGATTCCATGAAGTCCACATCCTCCCTGACATCAACCAGAACCCTCGG-3'
Protein context (NP_001119580.2, residues 874-894): QERKAIISLL[Ser884Arg]KFRLGFHEVH